The following is an entry in ClinVar:

NM_001792.5(CDH2):c.271A>G (p.Arg91Gly)

Gene: CDH2 (cadherin 2; minus strand). Cytogenetic location: 18q12.1.
Variant type: single nucleotide variant.
Coding change: c.271A>G on transcript NM_001792.5 (MANE Select); coding-DNA position 271, A replaced by G.
Protein change: p.Arg91Gly; replaces arginine 91 with glycine.
Molecular consequence: missense variant.
Genome position (GRCh38, 1-based): chr18:28,013,811, T>C on the plus strand (A>G on the coding strand, the complement: CDH2 is on the minus strand). VCF-style: chr18-28013811-T-C. GRCh37 (hg19) VCF-style: chr18-25593775-T-C.
Other names: c.178A>G, p.Arg60Gly (NM_001308176.2); short protein forms R91G, R60G.
Identifiers: ClinVar variation 2565601 (VCV002565601.2), dbSNP rs2510818861, ClinGen allele CA402244362.

ClinVar aggregate classification (germline): Uncertain significance (1 of 4 stars; one submission).

Conditions:
Inborn genetic diseases. Identifiers: MedGen C0950123, MeSH D030342.

Submission:

Ambry Genetics
Classification: Uncertain significance for Inborn genetic diseases. Last evaluated: 2023-04-22. Review status: criteria provided, single submitter. Criteria: Ambry Variant Classification Scheme 2023. Collection method: clinical testing. Allele origin: germline.
Comment: The p.R91G variant (also known as c.271A>G), located in coding exon 3 of the CDH2 gene, results from an A to G substitution at nucleotide position 271. The arginine at codon 91 is replaced by glycine, an amino acid with dissimilar properties. This amino acid position is conserved. In addition, this alteration is predicted to be deleterious by in silico analysis. Since supporting evidence is limited at this time, the clinical significance of this alteration remains unclear.